The following is an entry in ClinVar:

NM_152363.6(ANKLE1):c.*140_*143del

Gene: ANKLE1 (ankyrin repeat and LEM domain containing 1; plus strand). Cytogenetic location: 19p13.11.
Variant type: Deletion.
Coding change: c.*140_*143del on transcript NM_152363.6 (MANE Select); 140 bases downstream of the stop codon through 143 bases downstream of the stop codon, 4 bases deleted (TTGT; older notation c.*140_*143delTTGT).
Molecular consequence: 3 prime UTR variant. On other transcripts: frameshift variant (1), non-coding transcript variant (1).
Genome position (GRCh38, 1-based): chr19:17,286,692-17,286,695, TTGT deleted; deleting any 4 consecutive bases within chr19:17,286,689-17,286,695 gives the same sequence; the c. name uses the placement nearest the transcript's 3' end. VCF-style (leftmost placement, unchanged base first): chr19-17286688-GTGTT-G. GRCh37 (hg19) VCF-style: chr19-17397497-GTGTT-G.
Other names: c.*140_*143del (NM_001278443.2, NM_001278445.2); c.1771_1774del, p.Leu591fs (NM_001278444.2); short protein forms L591fs.
Identifiers: ClinVar variation 402369 (VCV000402369.4), dbSNP rs758109052, ClinGen allele CA9291577.

ClinVar aggregate classification (germline): Benign (1 of 4 stars; one submission).

Submission:

Laboratory for Molecular Medicine, Mass General Brigham Personalized Medicine
Classification: Benign. Last evaluated: 2016-03-29. Review status: criteria provided, single submitter. Criteria: LMM Criteria. Collection method: clinical testing. Allele origin: germline.
Comment: Variant identified in a genome or exome case(s) and assessed due to predicted null impact of the variant or pathogenic assertions in the literature or databases. Disclaimer: This variant has not undergone full assessment. The following are preliminary notes: Outside ROI, Frequency